The following is an entry in ClinVar:

NM_001042492.3(NF1):c.6784_6801dup (p.Ile2267_Ile2268insGlyGlnIleLysGlnIle)

Gene: NF1 (neurofibromin 1; plus strand). Cytogenetic location: 17q11.2.
Variant type: Duplication.
Coding change: c.6784_6801dup on transcript NM_001042492.3 (MANE Select); coding-DNA positions 6784 to 6801, 18 bases duplicated (GGGCAGATAAAGCAGATA).
Protein change: p.Ile2267_Ile2268insGlyGlnIleLysGlnIle.
Molecular consequence: inframe insertion. On other transcripts: inframe indel (1).
Genome position (GRCh38, 1-based): chr17:31,338,104-31,338,121, GGGCAGATAAAGCAGATA duplicated. VCF-style (leftmost placement, unchanged base first): chr17-31338103-T-TGGGCAGATAAAGCAGATA. GRCh37 (hg19) VCF-style: chr17-29665121-T-TGGGCAGATAAAGCAGATA.
Other names: c.6721_6738dup, p.Ile2246_Ile2247insGlyGlnIleLysGlnIle (NM_000267.4).
Identifiers: ClinVar variation 1501430 (VCV001501430.8), dbSNP rs2151558293, ClinGen allele CA2573153865.

ClinVar aggregate classification (germline): Uncertain significance (1 of 4 stars; one submission).

Conditions:
Neurofibromatosis, type 1 (NF1). Also called: VON RECKLINGHAUSEN DISEASE; NEUROFIBROMATOSIS, TYPE I, SOMATIC; Peripheral type neurofibromatosis; Neurofibromatosis, type I. Identifiers: Orphanet 636, MedGen C0027831, MONDO:0018975, OMIM 162200. Disease mechanism: loss of function.

Submission:

Labcorp Genetics (formerly Invitae), Labcorp
Classification: Uncertain significance for Neurofibromatosis, type 1. Last evaluated: 2021-08-09. Review status: criteria provided, single submitter. Criteria: Invitae Variant Classification Sherloc (09022015). Collection method: clinical testing. Allele origin: germline.
Comment: In summary, the available evidence is currently insufficient to determine the role of this variant in disease. Therefore, it has been classified as a Variant of Uncertain Significance. Experimental studies and prediction algorithms are not available or were not evaluated, and the functional significance of this variant is currently unknown. This variant has not been reported in the literature in individuals with NF1-related conditions. This variant is not present in population databases (ExAC no frequency). This variant, c.6721_6738dup, results in the insertion of 6 amino acid(s) to the NF1 protein (p.Gly2241_Ile2246dup), but otherwise preserves the integrity of the reading frame.